The following is an entry in ClinVar:

NM_001105206.3(LAMA4):c.5206G>A (p.Val1736Ile)

Gene: LAMA4 (laminin subunit alpha 4; minus strand). Cytogenetic location: 6q21.
Variant type: single nucleotide variant.
Coding change: c.5206G>A on transcript NM_001105206.3 (MANE Select); coding-DNA position 5206, G replaced by A.
Protein change: p.Val1736Ile; replaces valine 1736 with isoleucine.
Molecular consequence: missense variant.
Genome position (GRCh38, 1-based): chr6:112,114,663, C>T on the plus strand (G>A on the coding strand, the complement: LAMA4 is on the minus strand). VCF-style: chr6-112114663-C-T. GRCh37 (hg19) VCF-style: chr6-112435866-C-T.
Other names: c.5185G>A, p.Val1729Ile (NM_001105207.3, NM_002290.5); short protein forms V1736I, V1729I.
Identifiers: ClinVar variation 3659488 (VCV003659488.2).
Genomic context (GRCh38, chr6:112,114,663, plus strand): 5'-TGCCAGATCATAATCTTACAGTTGGGTGTGCAGGCTCCCCAGGGCAGTCAGTTTTCTCAC[C>T]TGTAATTCTGTGCCATCTGCCATCACAGAGACTCTGCTTGGGTGTAACTGAGGTGGAAAA-3'
Protein context (NP_001098676.2, residues 1726-1746): LCDGRWHRIT[Val1736Ile]IRDSNVVQLD

ClinVar aggregate classification (germline): Uncertain significance (1 of 4 stars; one submission).

Conditions:
Dilated cardiomyopathy 1JJ (CMD1JJ). Identifiers: Orphanet 154, MedGen C3808935, MONDO:0014095, OMIM 615235.

Submission:

Labcorp Genetics (formerly Invitae), Labcorp
Classification: Uncertain significance for Dilated cardiomyopathy 1JJ. Last evaluated: 2024-07-14. Review status: criteria provided, single submitter. Criteria: Invitae Variant Classification Sherloc (09022015). Collection method: clinical testing. Allele origin: germline.
Comment: This sequence change replaces valine, which is neutral and non-polar, with isoleucine, which is neutral and non-polar, at codon 1729 of the LAMA4 protein (p.Val1729Ile). This variant also falls at the last nucleotide of exon 37, which is part of the consensus splice site for this exon. This variant is not present in population databases (gnomAD no frequency). This variant has not been reported in the literature in individuals affected with LAMA4-related conditions. An algorithm developed to predict the effect of missense changes on protein structure and function (PolyPhen-2) suggests that this variant is likely to be disruptive. Variants that disrupt the consensus splice site are a relatively common cause of aberrant splicing (PMID: 17576681, 9536098). Algorithms developed to predict the effect of sequence changes on RNA splicing suggest that this variant may disrupt the consensus splice site. In summary, the available evidence is currently insufficient to determine the role of this variant in disease. Therefore, it has been classified as a Variant of Uncertain Significance.

Literature cited by the submitters: PubMed 17576681; PubMed 9536098.